The following is an entry in ClinVar:

NM_001312673.2(PCYT1A):c.735G>T (p.Arg245Ser)

Gene: PCYT1A (phosphate cytidylyltransferase 1A, choline; minus strand). Cytogenetic location: 3q29.
Variant type: single nucleotide variant.
Coding change: c.735G>T on transcript NM_001312673.2 (MANE Select); coding-DNA position 735, G replaced by T.
Protein change: p.Arg245Ser; replaces arginine 245 with serine.
Molecular consequence: missense variant.
Genome position (GRCh38, 1-based): chr3:196,239,709, C>A on the plus strand (G>T on the coding strand, the complement: PCYT1A is on the minus strand). VCF-style: chr3-196239709-C-A. GRCh37 (hg19) VCF-style: chr3-195966580-C-A.
Other names: c.735G>T, p.Arg245Ser (NM_005017.4); short protein forms R245S.
Identifiers: ClinVar variation 1978673 (VCV001978673.4), dbSNP rs1339129542, ClinGen allele CA355609120.

ClinVar aggregate classification (germline): Uncertain significance (1 of 4 stars; one submission).

Allele frequency attached by ClinVar (database versions not stated): gnomAD exomes below 0.00001; TOPMed below 0.00001.
gnomAD v4.1: 2 of 1,609,812 alleles (0.00012%); highest among the groups gnomAD compares: Admixed American, 0.0017%; no homozygotes.

Submission:

Labcorp Genetics (formerly Invitae), Labcorp
Classification: Uncertain significance. Last evaluated: 2022-06-16. Review status: criteria provided, single submitter. Criteria: Invitae Variant Classification Sherloc (09022015). Collection method: clinical testing. Allele origin: germline.
Comment: Advanced modeling of protein sequence and biophysical properties (such as structural, functional, and spatial information, amino acid conservation, physicochemical variation, residue mobility, and thermodynamic stability) performed at Invitae indicates that this missense variant is not expected to disrupt PCYT1A protein function. This variant has not been reported in the literature in individuals affected with PCYT1A-related conditions. This variant is not present in population databases (gnomAD no frequency). This sequence change replaces arginine, which is basic and polar, with serine, which is neutral and polar, at codon 245 of the PCYT1A protein (p.Arg245Ser). In summary, the available evidence is currently insufficient to determine the role of this variant in disease. Therefore, it has been classified as a Variant of Uncertain Significance.